The following is an entry in ClinVar:

ClinVar aggregate classification (germline): Uncertain significance (1 of 4 stars; one submission).

Submission:

Labcorp Genetics (formerly Invitae), Labcorp
Classification: Uncertain significance. Last evaluated: 2023-11-16. Review status: criteria provided, single submitter. Criteria: Invitae Variant Classification Sherloc (09022015). Collection method: clinical testing. Allele origin: germline.
Comment: This sequence change replaces asparagine, which is neutral and polar, with threonine, which is neutral and polar, at codon 83 of the ANKZF1 protein (p.Asn83Thr). This variant is not present in population databases (gnomAD no frequency). This variant has not been reported in the literature in individuals affected with ANKZF1-related conditions. An algorithm developed to predict the effect of missense changes on protein structure and function (PolyPhen-2) suggests that this variant is likely to be tolerated. In summary, the available evidence is currently insufficient to determine the role of this variant in disease. Therefore, it has been classified as a Variant of Uncertain Significance.

NM_018089.3(ANKZF1):c.248A>C (p.Asn83Thr)

Gene: ANKZF1 (ankyrin repeat and zinc finger peptidyl tRNA hydrolase 1; plus strand). Cytogenetic location: 2q35.
Variant type: single nucleotide variant.
Coding change: c.248A>C on transcript NM_018089.3 (MANE Select); coding-DNA position 248, A replaced by C.
Protein change: p.Asn83Thr; replaces asparagine 83 with threonine.
Molecular consequence: missense variant. On other transcripts: intron variant (1).
Genome position (GRCh38, 1-based): chr2:219,232,027, A>C. VCF-style: chr2-219232027-A-C. GRCh37 (hg19) VCF-style: chr2-220096749-A-C.
Other names: c.248A>C, p.Asn83Thr (NM_001042410.2); c.-266-463A>C (NM_001282792.2); short protein forms N83T.
Identifiers: ClinVar variation 2996745 (VCV002996745.3), dbSNP rs2544911528, ClinGen allele CA350672456.